The following is an entry in ClinVar:

NM_001159699.2(FHL1):c.380-73G>C

Gene: FHL1 (four and a half LIM domains 1; plus strand). Cytogenetic location: Xq26.3.
Variant type: single nucleotide variant.
Coding change: c.380-73G>C on transcript NM_001159699.2 (MANE Select); 73 bases into the intron before coding-DNA position 380, G replaced by C.
Molecular consequence: intron variant.
Genome position (GRCh38, 1-based): chrX:136,207,719, G>C. VCF-style: chrX-136207719-G-C. GRCh37 (hg19) VCF-style: chrX-135289878-G-C.
Other names: c.332-73G>C (NM_001159702.3, NM_001449.5, NM_001159703.2 and 9 more transcripts); c.419-73G>C (NM_001159701.2); c.380-73G>C (NM_001330659.2).
Identifiers: ClinVar variation 679010 (VCV000679010.2), dbSNP rs28764018, ClinGen allele CA336094645.

ClinVar aggregate classification (germline): Benign. Review status: criteria provided, multiple submitters, no conflicts (2 of 4 stars). 2 submissions from 2 submitters: Benign (2). Last evaluated 2018-06-16.

Allele frequency attached by ClinVar (database versions not stated): gnomAD 0.02529; TOPMed 0.03148; 1000 Genomes Project 0.03179; 1000 Genomes Project 30x 0.03226.
gnomAD v4.1: 6,091 of 1,129,494 alleles (0.54%); highest among the groups gnomAD compares: African/African-American, 9.2%; 189 homozygotes.

Submissions (2):

GeneDx
Classification: Benign. Last evaluated: 2018-06-16. Review status: criteria provided, single submitter. Criteria: GeneDx Variant Classification (06012015). Collection method: clinical testing. Allele origin: germline. Affected: yes.
Comment: This variant is considered likely benign or benign based on one or more of the following criteria: it is a conservative change, it occurs at a poorly conserved position in the protein, it is predicted to be benign by multiple in silico algorithms, and/or has population frequency not consistent with disease.

Breakthrough Genomics
Classification: Benign. Review status: criteria provided, single submitter. Criteria: ACMG Guidelines, 2015. Collection method: not provided. Allele origin: germline. Inheritance: X-linked inheritance. Affected: yes.